The following is an entry in ClinVar:

ClinVar aggregate classification (germline): Uncertain significance. Review status: criteria provided, multiple submitters, no conflicts (2 of 4 stars). 2 submissions from 2 submitters: Uncertain significance (2). Last evaluated 2025-05-11.

Conditions:
Inborn genetic diseases. Identifiers: MedGen C0950123, MeSH D030342.

Allele frequency attached by ClinVar (database versions not stated): TOPMed 0.00002; gnomAD 0.00001; ExAC 0.00002; ESP Exome Variant Server 0.00008; gnomAD exomes 0.00001.
gnomAD v4.1: 15 of 1,613,916 alleles (0.00093%); highest among the groups gnomAD compares: Non-Finnish European, 0.0013%; no homozygotes.

Submissions (2):

Labcorp Genetics (formerly Invitae), Labcorp
Classification: Uncertain significance. Last evaluated: 2025-05-11. Review status: criteria provided, single submitter. Criteria: Invitae Variant Classification Sherloc (09022015). Collection method: clinical testing. Allele origin: germline.
Comment: This sequence change replaces asparagine, which is neutral and polar, with serine, which is neutral and polar, at codon 638 of the IGF1R protein (p.Asn638Ser). This variant is present in population databases (rs144533252, gnomAD 0.002%). This variant has not been reported in the literature in individuals affected with IGF1R-related conditions. ClinVar contains an entry for this variant (Variation ID: 2909398). Invitae Evidence Modeling of protein sequence and biophysical properties (such as structural, functional, and spatial information, amino acid conservation, physicochemical variation, residue mobility, and thermodynamic stability) indicates that this missense variant is expected to disrupt IGF1R protein function with a positive predictive value of 80%. In summary, the available evidence is currently insufficient to determine the role of this variant in disease. Therefore, it has been classified as a Variant of Uncertain Significance.

Ambry Genetics
Classification: Uncertain significance for Inborn genetic diseases. Last evaluated: 2024-06-16. Review status: criteria provided, single submitter. Criteria: Ambry Variant Classification Scheme 2023. Collection method: clinical testing. Allele origin: germline.

NM_000875.5(IGF1R):c.1913A>G (p.Asn638Ser)

Gene: IGF1R (insulin like growth factor 1 receptor; plus strand). Cytogenetic location: 15q26.3.
Variant type: single nucleotide variant.
Coding change: c.1913A>G on transcript NM_000875.5 (MANE Select); coding-DNA position 1913, A replaced by G.
Protein change: p.Asn638Ser; replaces asparagine 638 with serine.
Molecular consequence: missense variant.
Genome position (GRCh38, 1-based): chr15:98,916,048, A>G. VCF-style: chr15-98916048-A-G. GRCh37 (hg19) VCF-style: chr15-99459277-A-G.
Other names: c.1913A>G (NM_000875.3); c.1913A>G, p.Asn638Ser (NM_001291858.2); short protein forms N638S.
Identifiers: ClinVar variation 2909398 (VCV002909398.4), dbSNP rs144533252, ClinGen allele CA7752240.